The following is an entry in ClinVar:

NM_001080449.3(DNA2):c.1687G>A (p.Asp563Asn)

Gene: DNA2 (DNA replication helicase/nuclease 2; minus strand). Cytogenetic location: 10q21.3.
Variant type: single nucleotide variant.
Coding change: c.1687G>A on transcript NM_001080449.3 (MANE Select); coding-DNA position 1687, G replaced by A.
Protein change: p.Asp563Asn; replaces aspartic acid 563 with asparagine.
Molecular consequence: missense variant. On other transcripts: non-coding transcript variant (1).
Genome position (GRCh38, 1-based): chr10:68,432,470, C>T on the plus strand (G>A on the coding strand, the complement: DNA2 is on the minus strand). VCF-style: chr10-68432470-C-T. GRCh37 (hg19) VCF-style: chr10-70192227-C-T.
Other names: c.1687G>A (NM_001080449.2); short protein forms D563N.
Identifiers: ClinVar variation 1417057 (VCV001417057.10), dbSNP rs375082819, ClinGen allele CA5525004.

ClinVar aggregate classification (germline): Uncertain significance. Review status: criteria provided, multiple submitters, no conflicts (2 of 4 stars). 3 submissions from 3 submitters: Uncertain significance (3). Last evaluated 2025-10-24.

Conditions:
Inborn genetic diseases. Identifiers: MedGen C0950123, MeSH D030342.

Allele frequency attached by ClinVar (database versions not stated): gnomAD 0.00002; gnomAD exomes 0.00002; TOPMed 0.00002; ExAC 0.00006; ESP Exome Variant Server 0.00026.
gnomAD v4.1: 12 of 1,576,728 alleles (0.00076%); highest among the groups gnomAD compares: Non-Finnish European, 0.001%; no homozygotes.

Submissions (3):

Ambry Genetics
Classification: Uncertain significance for Inborn genetic diseases. Last evaluated: 2025-10-24. Review status: criteria provided, single submitter. Criteria: Ambry Variant Classification Scheme 2023. Collection method: clinical testing. Allele origin: germline.

Labcorp Genetics (formerly Invitae), Labcorp
Classification: Uncertain significance. Last evaluated: 2024-03-21. Review status: criteria provided, single submitter. Criteria: Invitae Variant Classification Sherloc (09022015). Collection method: clinical testing. Allele origin: germline.
Comment: This sequence change replaces aspartic acid, which is acidic and polar, with asparagine, which is neutral and polar, at codon 563 of the DNA2 protein (p.Asp563Asn). This variant is present in population databases (rs375082819, gnomAD 0.006%). This variant has not been reported in the literature in individuals affected with DNA2-related conditions. ClinVar contains an entry for this variant (Variation ID: 1417057). Advanced modeling of protein sequence and biophysical properties (such as structural, functional, and spatial information, amino acid conservation, physicochemical variation, residue mobility, and thermodynamic stability) performed at Invitae indicates that this missense variant is expected to disrupt DNA2 protein function with a positive predictive value of 80%. In summary, the available evidence is currently insufficient to determine the role of this variant in disease. Therefore, it has been classified as a Variant of Uncertain Significance.

Revvity Omics, Revvity
Classification: Uncertain significance. Last evaluated: 2022-06-29. Review status: criteria provided, single submitter. Criteria: ACMG Guidelines, 2015. Collection method: clinical testing. Allele origin: germline.